The following is an entry in ClinVar:

ClinVar aggregate classification (germline): Uncertain significance (1 of 4 stars; one submission).

Allele frequency attached by ClinVar (database versions not stated): TOPMed 0.00003; ExAC 0.00007; gnomAD exomes 0.00008 and 0.00016; gnomAD 0.00011 and 0.00012.
gnomAD v4.1: 136 of 1,614,098 alleles (0.0084%); highest among the groups gnomAD compares: East Asian, 0.0067%; no homozygotes.

Submission:

Labcorp Genetics (formerly Invitae), Labcorp
Classification: Uncertain significance. Last evaluated: 2024-11-11. Review status: criteria provided, single submitter. Criteria: Invitae Variant Classification Sherloc (09022015). Collection method: clinical testing. Allele origin: germline.
Comment: This sequence change replaces threonine, which is neutral and polar, with alanine, which is neutral and non-polar, at codon 919 of the ZHX3 protein (p.Thr919Ala). This variant is present in population databases (rs748783597, gnomAD 0.2%), and has an allele count higher than expected for a pathogenic variant. This variant has not been reported in the literature in individuals affected with ZHX3-related conditions. ClinVar contains an entry for this variant (Variation ID: 1402056). An algorithm developed to predict the effect of missense changes on protein structure and function outputs the following: PolyPhen-2: "Benign". The alanine amino acid residue is found in multiple mammalian species, which suggests that this missense change does not adversely affect protein function. In summary, the available evidence is currently insufficient to determine the role of this variant in disease. Therefore, it has been classified as a Variant of Uncertain Significance.

NM_001384317.1(ZHX3):c.2755A>G (p.Thr919Ala)

Gene: ZHX3 (zinc fingers and homeoboxes 3; minus strand). Cytogenetic location: 20q12.
Variant type: single nucleotide variant.
Coding change: c.2755A>G on transcript NM_001384317.1 (MANE Select); coding-DNA position 2755, A replaced by G.
Protein change: p.Thr919Ala; replaces threonine 919 with alanine.
Molecular consequence: missense variant. On other transcripts: intron variant (1).
Genome position (GRCh38, 1-based): chr20:41,202,162, T>C on the plus strand (A>G on the coding strand, the complement: ZHX3 is on the minus strand). VCF-style: chr20-41202162-T-C. GRCh37 (hg19) VCF-style: chr20-39830802-T-C.
Other names: c.2755A>G, p.Thr919Ala (NM_001384315.1, NM_001384316.1, NM_001384318.1 and 7 more transcripts); c.2634+121A>G (NM_001384324.1); short protein forms T919A.
Identifiers: ClinVar variation 1402056 (VCV001402056.8), dbSNP rs748783597, ClinGen allele CA9859747.
Genomic context (GRCh38, chr20:41,202,162, plus strand): 5'-AGCTGGCCTCAGGGACACGGGGCTCCCACGACTCACTGTTCTCAGACACCTCTGAATAGG[T>C]GTCACCCATCCCTTTGTGAACTGCTGTGAGCTCACCAGTACCAGGGCCCTGGTCCTCACT-3'
Protein context (NP_001371246.1, residues 909-929): LTAVHKGMGD[Thr919Ala]YSEVSENSES